The following is an entry in ClinVar:

ClinVar aggregate classification (germline): Benign (1 of 4 stars; one submission).

Allele frequency attached by ClinVar (database versions not stated): 1000 Genomes Project 30x 0.94550; 1000 Genomes Project 0.94788; TOPMed 0.95646; gnomAD 0.95775 and 0.96056.
gnomAD v4.1: 146,377 of 152,326 alleles (96%); highest among the groups gnomAD compares: Middle Eastern, 100%; 70,600 homozygotes.

Submission:

GeneDx
Classification: Benign. Last evaluated: 2018-06-14. Review status: criteria provided, single submitter. Criteria: GeneDx Variant Classification (06012015). Collection method: clinical testing. Allele origin: germline. Affected: yes.
Comment: This variant is considered likely benign or benign based on one or more of the following criteria: it is a conservative change, it occurs at a poorly conserved position in the protein, it is predicted to be benign by multiple in silico algorithms, and/or has population frequency not consistent with disease.

NM_004863.4(SPTLC2):c.757-250G>A

Gene: SPTLC2 (serine palmitoyltransferase long chain base subunit 2; minus strand). Cytogenetic location: 14q24.3.
Variant type: single nucleotide variant.
Coding change: c.757-250G>A on transcript NM_004863.4 (MANE Select); 250 bases into the intron before coding-DNA position 757, G replaced by A.
Molecular consequence: intron variant.
Genome position (GRCh38, 1-based): chr14:77,562,739, C>T on the plus strand (G>A on the coding strand, the complement: SPTLC2 is on the minus strand). VCF-style: chr14-77562739-C-T. GRCh37 (hg19) VCF-style: chr14-78029082-C-T.
Identifiers: ClinVar variation 670136 (VCV000670136.1), dbSNP rs926115, ClinGen allele CA14043077.